The following is an entry in ClinVar:

NM_000089.4(COL1A2):c.2770G>C (p.Ala924Pro)

Gene: COL1A2 (collagen type I alpha 2 chain; plus strand). Cytogenetic location: 7q21.3.
Variant type: single nucleotide variant.
Coding change: c.2770G>C on transcript NM_000089.4 (MANE Select); coding-DNA position 2770, G replaced by C.
Protein change: p.Ala924Pro; replaces alanine 924 with proline.
Molecular consequence: missense variant.
Genome position (GRCh38, 1-based): chr7:94,425,213, G>C. VCF-style: chr7-94425213-G-C. GRCh37 (hg19) VCF-style: chr7-94054525-G-C.
Other names: short protein forms A924P.
Identifiers: ClinVar variation 4869136 (VCV004869136.1).

ClinVar aggregate classification (germline): Uncertain significance (1 of 4 stars; one submission).

Conditions:
Cardiovascular phenotype. Identifiers: MedGen CN230736.

Submission:

Ambry Genetics
Classification: Uncertain significance for Cardiovascular phenotype. Last evaluated: 2026-05-24. Review status: criteria provided, single submitter. Criteria: Ambry Variant Classification Scheme 2023. Collection method: clinical testing. Allele origin: germline.
Comment: The p.A924P variant (also known as c.2770G>C), located in coding exon 42 of the COL1A2 gene, results from a G to C substitution at nucleotide position 2770. The alanine at codon 924 is replaced by proline, an amino acid with highly similar properties. This amino acid position is conserved. In addition, the in silico prediction for this alteration is inconclusive. Based on the available evidence, the clinical significance of this variant remains unclear.